The following is an entry in ClinVar:

ClinVar aggregate classification (germline): Benign. Review status: reviewed by expert panel (3 of 4 stars). 6 submissions from 6 submitters: Benign (1). 5 of the submissions do not count toward it. Last evaluated 2025-05-19.

Conditions:
Juvenile retinoschisis (RS1). Also called: X-linked retinoschisis; X-Linked Juvenile Retinoschisis. Identifiers: Orphanet 792, MedGen C3714753, MONDO:0010725, OMIM 312700.
RS1-related disorder. Also called: RS1-related condition.

Allele frequency attached by ClinVar (database versions not stated): gnomAD exomes 0.00168 and 0.00056; 1000 Genomes Project 30x 0.00375; 1000 Genomes Project 0.00397; gnomAD 0.00438 and 0.00472; ExAC 0.00203; TOPMed 0.00541; ESP Exome Variant Server 0.00672.
gnomAD v4.1: 1,137 of 1,207,703 alleles (0.094%); highest among the groups gnomAD compares: African/African-American, 1.5%; 7 homozygotes.

Submissions (6):

ClinGen X-linked Inherited Retinal Disease Variant Curation Expert Panel, ClinGen
Classification: Benign for Juvenile retinoschisis. Last evaluated: 2025-05-19. Review status: reviewed by expert panel. Criteria: ClinGen X LinkedIRD ACMG Specifications RS1 V1.0.0. Collection method: curation. Allele origin: germline. Inheritance: X-linked inheritance.
Comment: The NM_000330.4(RS1):c.258G>A variant is a synonymous variant at amino acid 86. This variant is present in gnomAD v.4.1.0 at a frequency of 0.0007234 among hemizygous individuals, with 286 variant alleles / 395365 total alleles, which is higher than the ClinGen X-linked IRD VCEP BA1 threshold of >0.0002 (BA1). The splicing impact predictor SpliceAI gives delta scores of 0.02 acceptor gain and 0.01 donor gain, which are below the ClinGen X-linked IRD VCEP recommended threshold of <0.2 and do not predict a potential impact on RS1 splicing. This silent variant c.258G>A causing a synonymous variant at codon 86 does not have an impact at splicing sites according to Splice AI, which predicts delta scores of 0.02 for acceptor gain and 0.01 donor gain, which are below the ClinGen X-linked IRD VCEP recommended threshold of <0.2 and do not strongly predict an impact on splicing (BP7). In summary, this variant is classified as benign for X-linked retinoschisis based on the ClinGen X-linked Inherited Retinal Disease Expert Panel Specifications to the ACMG/AMP Variant Interpretation Guidelines for RS1 Version 1.0.0: BA1, BP4, and BP7 (date of approval 01/24/2025).

Labcorp Genetics (formerly Invitae), Labcorp
Classification: Benign. Last evaluated: 2026-01-26. Review status: criteria provided, single submitter. Criteria: Invitae Variant Classification Sherloc (09022015). Collection method: clinical testing. Allele origin: germline. Not counted in ClinVar's aggregate classification.

Blueprint Genetics
Classification: Likely benign. Last evaluated: 2024-11-22. Review status: criteria provided, single submitter. Criteria: ACMG Guidelines, 2015. Collection method: clinical testing. Allele origin: germline. Not counted in ClinVar's aggregate classification.

Breakthrough Genomics
Classification: Benign. Review status: criteria provided, single submitter. Criteria: ACMG Guidelines, 2015. Collection method: not provided. Allele origin: germline. Inheritance: X-linked inheritance. Affected: yes. Not counted in ClinVar's aggregate classification.

Natera, Inc.
Classification: Benign for X-linked retinoschisis. Last evaluated: 2020-09-16. Review status: no assertion criteria provided. Collection method: clinical testing. Allele origin: germline. Not counted in ClinVar's aggregate classification.

PreventionGenetics, part of Exact Sciences
Classification: Benign for RS1-related condition. Last evaluated: 2019-10-04. Review status: no assertion criteria provided. Collection method: clinical testing. Allele origin: germline. Not counted in ClinVar's aggregate classification.
Comment: This variant is classified as benign based on ACMG/AMP sequence variant interpretation guidelines (Richards et al. 2015 PMID: 25741868, with internal and published modifications).

NM_000330.4(RS1):c.258G>A (p.Pro86=)

Genes: CDKL5 (cyclin dependent kinase like 5; plus strand), RS1 (retinoschisin 1; minus strand). Cytogenetic location: Xp22.13.
Variant type: single nucleotide variant.
Coding change: c.258G>A on transcript NM_000330.4 (MANE Select); coding-DNA position 258, G replaced by A.
Protein change: p.Pro86=; no amino-acid change (proline 86 retained).
Molecular consequence: synonymous variant. On other transcripts: intron variant (2).
Genome position (GRCh38, 1-based): chrX:18,647,259, C>T on the plus strand (G>A on the coding strand, the complement: RS1 is on the minus strand). VCF-style: chrX-18647259-C-T. GRCh37 (hg19) VCF-style: chrX-18665379-C-T.
Other names: NM_000330.4(RS1):c.258G>A; p.Pro86=; c.2797+1169C>T (NM_003159.3, NM_001037343.2).
Identifiers: ClinVar variation 791378 (VCV000791378.17), dbSNP rs147290350, ClinGen allele CA10360710.
Genomic context (GRCh38, chrX:18,647,259, plus strand): 5'-TTGACTGTTGAGCCGGGCCTTGTTTGCAGTCCACGAAGAATACCAGCCCACATACTGCTC[C>T]GGGTTAGAGCAGGTGATCTGGTCCGGTGTGACCTCCCCTGACTCGAAACCCAGAGGCTTG-3'
Protein context (NP_000321.1, residues 76-96): VTPDQITCSN[Pro86=]EQYVGWYSSW